The following is an entry in ClinVar:

ClinVar aggregate classification (germline): Uncertain significance (1 of 4 stars; one submission).

Conditions:
Epilepsy, X-linked 2, with or without impaired intellectual development and dysmorphic features (EPILX2). Identifiers: MedGen C5774178, MONDO:0859564, OMIM 301091.

Submission:

Institute of Human Genetics, University of Goettingen
Classification: Uncertain significance for Epilepsy, X-linked 2, with or without impaired intellectual development and dysmorphic features. Last evaluated: 2023-03-14. Review status: criteria provided, single submitter. Criteria: ACMG Guidelines, 2015. Collection method: clinical testing. Allele origin: germline. Inheritance: X-linked inheritance. Affected: yes. Observed: 1 hemizygote.
Comment: The identified GABRA3 variant is classified as a Variant of Uncertain Significance (VUS). It is absent from gnomAD, ClinVar, and HGMD [PM2_supporting]. ACMG criterion applied: PM2_supporting.

NM_000808.4(GABRA3):c.1385T>C (p.Ile462Thr)

Gene: GABRA3 (gamma-aminobutyric acid type A receptor subunit alpha3; minus strand). Cytogenetic location: Xq28.
Variant type: single nucleotide variant.
Coding change: c.1385T>C on transcript NM_000808.4 (MANE Select); coding-DNA position 1385, T replaced by C.
Protein change: p.Ile462Thr; replaces isoleucine 462 with threonine.
Molecular consequence: missense variant.
Genome position (GRCh38, 1-based): chrX:152,168,322, A>G on the plus strand (T>C on the coding strand, the complement: GABRA3 is on the minus strand). VCF-style: chrX-152168322-A-G. GRCh37 (hg19) VCF-style: chrX-151336794-A-G.
Other names: short protein forms I462T.
Identifiers: ClinVar variation 4280663 (VCV004280663.1).